The following is an entry in ClinVar:

NM_024529.5(CDC73):c.973-17T>G

Gene: CDC73 (cell division cycle 73; plus strand). Cytogenetic location: 1q31.2.
Variant type: single nucleotide variant.
Coding change: c.973-17T>G on transcript NM_024529.5 (MANE Select); 17 bases into the intron before coding-DNA position 973, T replaced by G.
Molecular consequence: intron variant.
Genome position (GRCh38, 1-based): chr1:193,203,778, T>G. VCF-style: chr1-193203778-T-G. GRCh37 (hg19) VCF-style: chr1-193172908-T-G.
Identifiers: ClinVar variation 3646918 (VCV003646918.3).

ClinVar aggregate classification (germline): Uncertain significance (1 of 4 stars; one submission).

Conditions:
Parathyroid carcinoma (PRTC). Also called: CDC73-Related Parathyroid Carcinoma; Parathyroid gland carcinoma. Identifiers: Orphanet 143, MedGen C0687150, MONDO:0012004, OMIM 608266, HP:0006780.

gnomAD v4.1: 1 of 1,597,920 alleles (0.000063%); highest among the groups gnomAD compares: Non-Finnish European, 0.000086%; no homozygotes.

Submissions (2):

Labcorp Genetics (formerly Invitae), Labcorp
Classification: Uncertain significance for Parathyroid carcinoma. Last evaluated: 2024-03-20. Review status: criteria provided, single submitter. Criteria: Invitae Variant Classification Sherloc (09022015). Collection method: clinical testing. Allele origin: germline.
Comment: This sequence change falls in intron 10 of the CDC73 gene. It does not directly change the encoded amino acid sequence of the CDC73 protein. This variant is present in population databases (rs749913431, gnomAD 0.0009%). This variant has not been reported in the literature in individuals affected with CDC73-related conditions. Algorithms developed to predict the effect of sequence changes on RNA splicing suggest that this variant may create or strengthen a splice site. In summary, the available evidence is currently insufficient to determine the role of this variant in disease. Therefore, it has been classified as a Variant of Uncertain Significance.

Dr. Peter K. Rogan Lab, Western University
No classification provided (evidence only). Condition: Ovarian serous cystadenocarcinoma. Review status: no classification provided. Collection method: in vitro. Allele origin: not applicable. Functional consequence: retained intron. Not counted in ClinVar's aggregate classification.